The following is an entry in ClinVar:

NM_000311.5(PRNP):c.446dup (p.Tyr149Ter)

Gene: PRNP (prion protein (Kanno blood group); plus strand). Cytogenetic location: 20p13.
Variant type: Duplication.
Coding change: c.446dup on transcript NM_000311.5 (MANE Select); coding-DNA position 446, one base duplicated (A; older notation c.446dupA).
Protein change: p.Tyr149Ter; replaces tyrosine 149 with a stop codon.
Molecular consequence: nonsense. On other transcripts: 3 prime UTR variant (1).
Genome position (GRCh38, 1-based): chr20:4,699,666, A duplicated. VCF-style (leftmost placement, unchanged base first): chr20-4699665-T-TA. GRCh37 (hg19) VCF-style: chr20-4680311-T-TA.
Other names: c.446dup, p.Tyr149Ter (NM_001080121.3, NM_001080122.3, NM_001080123.3 and 1 more transcripts); c.*135dup (NM_001271561.3); short protein forms Y149*.
Identifiers: ClinVar variation 2042593 (VCV002042593.4), dbSNP rs2514373887, ClinGen allele CA2580098148.
Genomic context (GRCh38, chr20:4,699,665, plus strand): 5'-ATGCTGGGAAGTGCCATGAGCAGGCCCATCATACATTTCGGCAGTGACTATGAGGACCGT[T>TA]ACTATCGTGAAAACATGCACCGTTACCCCAACCAAGTGTACTACAGGCCCATGGATGAGT-3'

ClinVar aggregate classification (germline): Uncertain significance (1 of 4 stars; one submission).

Conditions:
Huntington disease-like 1 (HDL1). Also called: HUNTINGTON-LIKE NEURODEGENERATIVE DISORDER 1; HUNTINGTON-LIKE NEURODEGENERATIVE DISORDER, AUTOSOMAL DOMINANT; PRION DISEASE, EARLY-ONSET, WITH PROMINENT PSYCHIATRIC FEATURES. Identifiers: Orphanet 157941, MedGen C1864112, MONDO:0011299, OMIM 603218.

Submission:

Labcorp Genetics (formerly Invitae), Labcorp
Classification: Uncertain significance for Huntington disease-like 1. Last evaluated: 2023-08-17. Review status: criteria provided, single submitter. Criteria: Invitae Variant Classification Sherloc (09022015). Collection method: clinical testing. Allele origin: germline.
Comment: This sequence change creates a premature translational stop signal (p.Tyr149*) in the PRNP gene. While this is not anticipated to result in nonsense mediated decay, it is expected to disrupt the last 105 amino acid(s) of the PRNP protein. In summary, the available evidence is currently insufficient to determine the role of this variant in disease. Therefore, it has been classified as a Variant of Uncertain Significance. Experimental studies and prediction algorithms are not available or were not evaluated, and the functional significance of this variant is currently unknown. ClinVar contains an entry for this variant (Variation ID: 2042593). This variant has not been reported in the literature in individuals affected with PRNP-related conditions. This variant is not present in population databases (gnomAD no frequency).